The following is an entry in ClinVar:

ClinVar aggregate classification (germline): Uncertain significance. Review status: criteria provided, multiple submitters, no conflicts (2 of 4 stars). 3 submissions from 3 submitters: Uncertain significance (3). Last evaluated 2026-01-24.

Conditions:
Familial thoracic aortic aneurysm and aortic dissection (TAAD). Also called: Thoracic aortic aneurysms and dissections. Identifiers: Orphanet 91387, MedGen C4707243, MONDO:0019625.
Marfan syndrome (MFS). Also called: FBN1-Related Marfan Syndrome; Marfan syndrome type 1; Marfan's syndrome; Marfan syndrome, classic; MARFAN SYNDROME, TYPE I. Identifiers: Orphanet 284963, Orphanet 558, MedGen C0024796, MONDO:0007947, OMIM 154700.

Allele frequency attached by ClinVar (database versions not stated): gnomAD exomes 0.00001 and below 0.00001; ExAC 0.00002; ESP Exome Variant Server 0.00008; TOPMed 0.00001.
gnomAD v4.1: 2 of 1,613,632 alleles (0.00012%); highest among the groups gnomAD compares: Admixed American, 0.0033%; no homozygotes.

Submissions (3):

Labcorp Genetics (formerly Invitae), Labcorp
Classification: Uncertain significance for Marfan syndrome; Familial thoracic aortic aneurysm and aortic dissection. Last evaluated: 2026-01-24. Review status: criteria provided, single submitter. Criteria: Invitae Variant Classification Sherloc (09022015). Collection method: clinical testing. Allele origin: germline.
Comment: This sequence change replaces aspartic acid, which is acidic and polar, with asparagine, which is neutral and polar, at codon 1993 of the FBN1 protein (p.Asp1993Asn). This variant is present in population databases (rs377671719, gnomAD 0.006%). This variant has not been reported in the literature in individuals affected with FBN1-related conditions. ClinVar contains an entry for this variant (Variation ID: 579213). Invitae Evidence Modeling of protein sequence and biophysical properties (such as structural, functional, and spatial information, amino acid conservation, physicochemical variation, residue mobility, and thermodynamic stability) has been performed for this missense variant. However, the output from this modeling did not meet the statistical confidence thresholds required to predict the impact of this variant on FBN1 protein function. In summary, the available evidence is currently insufficient to determine the role of this variant in disease. Therefore, it has been classified as a Variant of Uncertain Significance.

Color Diagnostics, LLC DBA Color Health
Classification: Uncertain significance for Familial thoracic aortic aneurysm and aortic dissection. Last evaluated: 2025-06-25. Review status: criteria provided, single submitter. Criteria: ACMG Guidelines, 2015. Collection method: clinical testing. Allele origin: germline.
Comment: This missense variant replaces aspartic acid with asparagine at codon 1993 of the FBN1 protein. Computational prediction suggests that this variant may not impact protein structure and function. To our knowledge, functional studies have not been reported for this variant. This variant has not been reported in individuals affected with FBN1-related disorders in the literature. This variant has been identified in 3/251184 chromosomes in the general population by the Genome Aggregation Database (gnomAD). The available evidence is insufficient to determine the role of this variant in disease conclusively. Therefore, this variant is classified as a Variant of Uncertain Significance.

Women's Health and Genetics/Laboratory Corporation of America, LabCorp
Classification: Uncertain significance. Last evaluated: 2023-10-12. Review status: criteria provided, single submitter. Criteria: LabCorp Variant Classification Summary - May 2015. Collection method: clinical testing. Allele origin: germline.
Comment: Variant summary: FBN1 c.5977G>A (p.Asp1993Asn) results in a conservative amino acid change located in the EGF-like domain of the encoded protein sequence. Three of five in-silico tools predict a damaging effect of the variant on protein function. The variant allele was found at a frequency of 1.2e-05 in 251184 control chromosomes. The available data on variant occurrences in the general population are insufficient to allow any conclusion about variant significance. To our knowledge, no occurrence of c.5977G>A in individuals affected with Marfan Syndrome and no experimental evidence demonstrating its impact on protein function have been reported. Two submitters have cited clinical-significance assessments for this variant to ClinVar after 2014. All submitters classified the variant as uncertain significance. Based on the evidence outlined above, the variant was classified as uncertain significance.

NM_000138.5(FBN1):c.5977G>A (p.Asp1993Asn)

Gene: FBN1 (fibrillin 1; minus strand). Cytogenetic location: 15q21.1.
Variant type: single nucleotide variant.
Coding change: c.5977G>A on transcript NM_000138.5 (MANE Select); coding-DNA position 5977, G replaced by A.
Protein change: p.Asp1993Asn; replaces aspartic acid 1993 with asparagine.
Molecular consequence: missense variant.
Genome position (GRCh38, 1-based): chr15:48,444,601, C>T on the plus strand (G>A on the coding strand, the complement: FBN1 is on the minus strand). VCF-style: chr15-48444601-C-T. GRCh37 (hg19) VCF-style: chr15-48736798-C-T.
Other names: short protein forms D1993N.
Identifiers: ClinVar variation 579213 (VCV000579213.15), dbSNP rs377671719, ClinGen allele CA055920.